The following is an entry in ClinVar:

NM_152722.5(HEPACAM):c.1072G>A (p.Ala358Thr)

Gene: HEPACAM (hepatic and glial cell adhesion molecule; minus strand). Cytogenetic location: 11q24.2.
Variant type: single nucleotide variant.
Coding change: c.1072G>A on transcript NM_152722.5 (MANE Select); coding-DNA position 1072, G replaced by A.
Protein change: p.Ala358Thr; replaces alanine 358 with threonine.
Molecular consequence: missense variant.
Genome position (GRCh38, 1-based): chr11:124,921,317, C>T on the plus strand (G>A on the coding strand, the complement: HEPACAM is on the minus strand). VCF-style: chr11-124921317-C-T. GRCh37 (hg19) VCF-style: chr11-124791213-C-T.
Other names: short protein forms A358T.
Identifiers: ClinVar variation 303325 (VCV000303325.59), dbSNP rs536963649, ClinGen allele CA10638212.

ClinVar aggregate classification (germline): Conflicting classifications of pathogenicity. Review status: criteria provided, conflicting classifications (1 of 4 stars). 10 submissions from 10 submitters: Uncertain significance (6); Benign (1); Likely benign (1). 2 of the submissions do not count toward it. Last evaluated 2025-10-22.

Conditions:
Megalencephalic leukoencephalopathy with subcortical cysts. Also called: VAN DER KNAAP DISEASE. Identifiers: Orphanet 2478, MedGen C1858854, MONDO:0011391.
Inborn genetic diseases. Identifiers: MedGen C0950123, MeSH D030342.
HEPACAM-related disorder. Also called: HEPACAM-related condition.
Intellectual disability. Also called: Intellectual functioning disability; Intellectual developmental disorder; intellectual disabilities. Identifiers: MedGen C3714756, MeSH D008607, MONDO:0001071, HP:0001249.

Allele frequency attached by ClinVar (database versions not stated): gnomAD exomes 0.00020 and 0.00386; TOPMed 0.00079; gnomAD 0.00086 and 0.00087; 1000 Genomes Project 0.00200; 1000 Genomes Project 30x 0.00219.
gnomAD v4.1: 385 of 1,292,748 alleles (0.03%); highest among the groups gnomAD compares: Middle Eastern, 0.2%; 2 homozygotes.

Submissions (10):

Labcorp Genetics (formerly Invitae), Labcorp
Classification: Benign. Last evaluated: 2025-10-22. Review status: criteria provided, single submitter. Criteria: Invitae Variant Classification Sherloc (09022015). Collection method: clinical testing. Allele origin: germline.

Ambry Genetics
Classification: Likely benign for Inborn genetic diseases. Last evaluated: 2025-08-22. Review status: criteria provided, single submitter. Criteria: Ambry Variant Classification Scheme 2023. Collection method: clinical testing. Allele origin: germline.

Blueprint Genetics
Classification: Uncertain significance. Last evaluated: 2024-11-22. Review status: criteria provided, single submitter. Criteria: ACMG Guidelines, 2015. Collection method: clinical testing. Allele origin: germline.

GeneDx
Classification: Uncertain significance. Last evaluated: 2021-05-11. Review status: criteria provided, single submitter. Criteria: GeneDx Variant Classification Process June 2021. Collection method: clinical testing. Allele origin: germline. Affected: yes.
Comment: In silico analysis supports that this missense variant does not alter protein structure/function; Has not been previously published as pathogenic or benign to our knowledge

Women's Health and Genetics/Laboratory Corporation of America, LabCorp
Classification: Uncertain significance. Last evaluated: 2019-10-18. Review status: criteria provided, single submitter. Criteria: LabCorp Variant Classification Summary - May 2015. Collection method: clinical testing. Allele origin: germline.
Comment: Variant summary: HEPACAM c.1072G>A (p.Ala358Thr) results in a non-conservative amino acid change in the Intracellular domain (Lopez-Hernandez_2011) of the encoded protein sequence. Three of five in-silico tools predict a benign effect of the variant on protein function. The variant allele was found at a frequency of 0.00062 in 32376 control chromosomes, predominantly at a frequency of 0.0015 within the African or African-American subpopulation in the gnomAD database. The observed variant frequency within African or African-American control individuals in the gnomAD database is approximately 2400 fold of the estimated maximal expected allele frequency for a pathogenic variant in HEPACAM causing Megalencephalic leukoencephalopathy with subcortical cysts 2b, remitting, with or without mental retardation phenotype (6.3e-07), strongly suggesting that the variant is a benign polymorphism found primarily in populations of African or African-American origin. In addition, it was reported that dominant pathogenic variants of HEPACAM are clustered in the first immunoglobulin domain whereas recessive HEPACAM pathogenic variants are spread over the entire extracellular region of the protein (PMID: 21419380 and Gene Reviews). To our knowledge, no occurrence of c.1072G>A in individuals affected with Megalencephalic leukoencephalopathy with subcortical cysts 2b, remitting, with or without mental retardation and no experimental evidence demonstrating its impact on protein function have been reported. One ClinVar submitter (evaluation after 2014) cite the variant as uncertain significance. Based on the evidence outlined above, the variant was classified as VUS possibly benign until additional clinical and functional evidence becomes available.

CeGaT Center for Human Genetics Tuebingen
Classification: Uncertain significance. Last evaluated: 2018-05-01. Review status: criteria provided, single submitter. Criteria: CeGaT Center For Human Genetics Tuebingen Variant Classification Criteria Version 2. Collection method: clinical testing. Allele origin: germline. Affected: yes. Observed: 1 variant allele.

Illumina Laboratory Services, Illumina
Classification: Uncertain significance for Megalencephalic leukoencephalopathy with subcortical cysts. Last evaluated: 2018-01-12. Review status: criteria provided, single submitter. Criteria: ICSL Variant Classification Criteria 13 December 2019. Collection method: clinical testing. Allele origin: germline.

Breakthrough Genomics
Classification: Uncertain significance. Review status: criteria provided, single submitter. Criteria: ACMG Guidelines, 2015. Collection method: not provided. Allele origin: germline. Inheritance: Autosomal recessive inheritance. Affected: yes.

PreventionGenetics, part of Exact Sciences
Classification: Likely benign for HEPACAM-related condition. Last evaluated: 2024-01-18. Review status: no assertion criteria provided. Collection method: clinical testing. Allele origin: germline. Not counted in ClinVar's aggregate classification.
Comment: This variant is classified as likely benign based on ACMG/AMP sequence variant interpretation guidelines (Richards et al. 2015 PMID: 25741868, with internal and published modifications).

Centre de Biologie Pathologie Génétique, Centre Hospitalier Universitaire de Lille
Classification: Uncertain significance for Intellectual disability. Last evaluated: 2019-01-01. Review status: no assertion criteria provided. Collection method: clinical testing. Allele origin: unknown. Affected: yes. Not counted in ClinVar's aggregate classification.